The following is an entry in ClinVar:

NM_000784.4(CYP27A1):c.1549G>T (p.Val517Phe)

Gene: CYP27A1 (cytochrome P450 family 27 subfamily A member 1; plus strand). Cytogenetic location: 2q35.
Variant type: single nucleotide variant.
Coding change: c.1549G>T on transcript NM_000784.4 (MANE Select); coding-DNA position 1549, G replaced by T.
Protein change: p.Val517Phe; replaces valine 517 with phenylalanine.
Molecular consequence: missense variant.
Genome position (GRCh38, 1-based): chr2:218,814,983, G>T. VCF-style: chr2-218814983-G-T. GRCh37 (hg19) VCF-style: chr2-219679706-G-T.
Other names: short protein forms V517F.
Identifiers: ClinVar variation 4613950 (VCV004613950.1).

ClinVar aggregate classification (germline): Uncertain significance (1 of 4 stars; one submission).

Conditions:
Cardiovascular phenotype. Identifiers: MedGen CN230736.

Submission:

Ambry Genetics
Classification: Uncertain significance for Cardiovascular phenotype. Last evaluated: 2025-11-02. Review status: criteria provided, single submitter. Criteria: Ambry Variant Classification Scheme 2023. Collection method: clinical testing. Allele origin: germline.
Comment: The p.V517F variant (also known as c.1549G>T), located in coding exon 9 of the CYP27A1 gene, results from a G to T substitution at nucleotide position 1549. The valine at codon 517 is replaced by phenylalanine, an amino acid with highly similar properties. This amino acid position is conserved. In addition, the in silico prediction for this alteration is inconclusive. Based on the available evidence, the clinical significance of this variant remains unclear.